The following is an entry in ClinVar:

ClinVar aggregate classification (germline): Conflicting classifications of pathogenicity. Review status: criteria provided, conflicting classifications (1 of 4 stars). 3 submissions from 3 submitters: Uncertain significance (1); Likely benign (1). 1 of the submissions does not count toward it. Last evaluated 2023-03-23.

Conditions:
Hereditary cancer-predisposing syndrome. Also called: Neoplastic Syndromes, Hereditary; Tumor predisposition; Hereditary Cancer Syndrome; Hereditary neoplastic syndrome. Identifiers: Orphanet 140162, MedGen C0027672, MeSH D009386, MONDO:0015356.
Familial cancer of breast. Also called: BREAST CANCER, FAMILIAL; Hereditary breast cancer; hereditary breast carcinoma. Identifiers: Orphanet 227535, MedGen C0346153, MONDO:0016419, OMIM 114480. Disease mechanism: loss of function.

Submissions (3):

University of Washington Department of Laboratory Medicine, University of Washington
Classification: Likely benign for Hereditary cancer-predisposing syndrome. Last evaluated: 2023-03-23. Review status: criteria provided, single submitter. Criteria: Dines et al. (Genet Med. 2020). Collection method: curation. Allele origin: germline.
Comment: Missense variant in a coldspot region where missense variants are very unlikely to be pathogenic (PMID:31911673).

BRCA1 coldspot (exon 11 using historical exon numbering). Reclassification based on statistical prior probability

Ambry Genetics
Classification: Uncertain significance for Hereditary cancer-predisposing syndrome. Last evaluated: 2019-08-27. Review status: criteria provided, single submitter. Criteria: Ambry Variant Classification Scheme 2023. Collection method: clinical testing. Allele origin: germline.
Comment: The p.Q544P variant (also known as c.1631A>C), located in coding exon 9 of the BRCA1 gene, results from an A to C substitution at nucleotide position 1631. The glutamine at codon 544 is replaced by proline, an amino acid with similar properties. This amino acid position is not well conserved in available vertebrate species. In addition, this alteration is predicted to be deleterious by in silico analysis. Since supporting evidence is limited at this time, the clinical significance of this alteration remains unclear.

ClinVar Staff, National Center for Biotechnology Information (NCBI)
No classification provided. Condition: Familial cancer of breast. Review status: no classification provided. Collection method: literature only. Allele origin: germline. Affected: yes. Not counted in ClinVar's aggregate classification.

Literature cited by the submitters: PubMed 15307796 (cited by ClinVar Staff, National Center for Biotechnology Information (NCBI)).

NM_007294.4(BRCA1):c.1631A>C (p.Gln544Pro)

Gene: BRCA1 (BRCA1 DNA repair associated; minus strand). Cytogenetic location: 17q21.31.
Variant type: single nucleotide variant.
Coding change: c.1631A>C on transcript NM_007294.4 (MANE Select); coding-DNA position 1631, A replaced by C.
Protein change: p.Gln544Pro; replaces glutamine 544 with proline.
Molecular consequence: missense variant. On other transcripts: intron variant (137).
Genome position (GRCh38, 1-based): chr17:43,093,900, T>G on the plus strand (A>C on the coding strand, the complement: BRCA1 is on the minus strand). VCF-style: chr17-43093900-T-G. GRCh37 (hg19) VCF-style: chr17-41245917-T-G.
Other names: c.1628A>C, p.Gln543Pro (NM_001407631.1, NM_001407632.1, NM_001407633.1 and 22 more transcripts); c.1631A>C, p.Gln544Pro (NM_001407639.1, NM_001407640.1, NM_001407641.1 and 30 more transcripts); c.1622A>C, p.Gln541Pro (NM_001407646.1, NM_001407647.1); c.1508A>C, p.Gln503Pro (NM_001407648.1, NM_001407664.1, NM_001407665.1 and 19 more transcripts); c.1505A>C, p.Gln502Pro (NM_001407649.1, NM_001407670.1, NM_001407671.1 and 11 more transcripts); c.1553A>C, p.Gln518Pro (NM_001407653.1, NM_001407654.1, NM_001407655.1 and 4 more transcripts); c.1550A>C, p.Gln517Pro (NM_001407659.1, NM_001407660.1, NM_001407661.1 and 1 more transcripts); c.1490A>C, p.Gln497Pro (NM_001407692.1, NM_001407694.1, NM_001407695.1 and 29 more transcripts); and 40 more; short protein forms Q544P, Q497P, Q432P, Q456P, Q476P, Q477P, Q496P, Q417P.
Identifiers: ClinVar variation 54314 (VCV000054314.8), dbSNP rs397508892, ClinGen allele CA001083.
Genomic context (GRCh38, chr17:43,093,900, plus strand): 5'-TTCTGAATAGAATCACCTTTTGTTTTATTCTCATGACCACTATTAGTAATATTCATCACT[T>G]GACCATTCTGCTCCGTTTGGTTAGTTCCCTGATTTATCATTTCAGGAGTCTTTTGAACTG-3'
Protein context (NP_009225.1, residues 534-554): QGTNQTEQNG[Gln544Pro]VMNITNSGHE